The following is an entry in ClinVar:

ClinVar aggregate classification (germline): Benign/Likely benign. Review status: criteria provided, multiple submitters, no conflicts (2 of 4 stars). 3 submissions from 3 submitters: Benign (1); Likely benign (2). Last evaluated 2026-07-14.

Conditions:
Rhabdoid tumor predisposition syndrome 2 (RTPS2). Identifiers: Orphanet 231108, Orphanet 69077, MedGen C2750074, MONDO:0013224, OMIM 613325.
Hereditary cancer-predisposing syndrome. Also called: Hereditary Cancer Syndrome; Hereditary neoplastic syndrome; Neoplastic Syndromes, Hereditary; Tumor predisposition. Identifiers: Orphanet 140162, MedGen C0027672, MeSH D009386, MONDO:0015356.

Allele frequency attached by ClinVar (database versions not stated): gnomAD 0.00001; TOPMed 0.00001; gnomAD exomes 0.00002; ExAC 0.00003.
gnomAD v4.1: 33 of 1,614,042 alleles (0.002%); highest among the groups gnomAD compares: South Asian, 0.0066%; no homozygotes.

Submissions (3):

Myriad Genetics, Inc.
Classification: Benign for Rhabdoid tumor predisposition syndrome 2. Last evaluated: 2026-07-14. Review status: criteria provided, single submitter. Criteria: Myriad Autosomal Dominant, Autosomal Recessive and X-Linked Classification Criteria (2023). Collection method: clinical testing. Allele origin: unknown.
Comment: This variant is considered benign. This variant is a silent/synonymous amino acid change and it is not expected to impact splicing.

Labcorp Genetics (formerly Invitae), Labcorp
Classification: Likely benign for Rhabdoid tumor predisposition syndrome 2. Last evaluated: 2026-01-04. Review status: criteria provided, single submitter. Criteria: Invitae Variant Classification Sherloc (09022015). Collection method: clinical testing. Allele origin: germline.

Ambry Genetics
Classification: Likely benign for Hereditary cancer-predisposing syndrome. Last evaluated: 2016-05-04. Review status: criteria provided, single submitter. Criteria: Ambry Variant Classification Scheme 2023. Collection method: clinical testing. Allele origin: germline.

NM_003072.5(SMARCA4):c.3357C>T (p.Arg1119=)

Gene: SMARCA4 (SWI/SNF related BAF chromatin remodeling complex subunit ATPase 4; plus strand). Cytogenetic location: 19p13.2.
Variant type: single nucleotide variant.
Coding change: c.3357C>T on transcript NM_003072.5 (MANE Select); coding-DNA position 3357, C replaced by T.
Protein change: p.Arg1119=; no amino-acid change (arginine 1119 retained).
Molecular consequence: synonymous variant. On other transcripts: non-coding transcript variant (1).
Genome position (GRCh38, 1-based): chr19:11,027,925, C>T. VCF-style: chr19-11027925-C-T. GRCh37 (hg19) VCF-style: chr19-11138601-C-T.
Other names: c.3357C>T, p.Arg1119= (NM_001128844.3, NM_001128845.2, NM_001128846.2 and 5 more transcripts).
Identifiers: ClinVar variation 415174 (VCV000415174.17), dbSNP rs770111702, ClinGen allele CA9204391.
Genomic context (GRCh38, chr19:11,027,925, plus strand): 5'-GCTGCTGTTCTGCCAAATGACCTCCCTCATGACCATCATGGAAGATTACTTTGCGTATCG[C>T]GGCTTTAAATACCTCAGGCTTGATGGTGAGTATGAGCCAGTGAGGCGTTTCTTACAGGGT-3'
Protein context (NP_003063.2, residues 1109-1129): MTIMEDYFAY[Arg1119=]GFKYLRLDGT